The following is an entry in ClinVar:

ClinVar aggregate classification (germline): Likely benign. Review status: criteria provided, multiple submitters, no conflicts (2 of 4 stars). 2 submissions from 2 submitters: Likely benign (2). Last evaluated 2024-10-17.

Conditions:
KBG syndrome (KBGS). Also called: ANKRD11-Related KBG Syndrome. Identifiers: Orphanet 2332, MedGen C0220687, MONDO:0007846, OMIM 148050.

Allele frequency attached by ClinVar (database versions not stated): gnomAD 0.00002; TOPMed 0.00003.
gnomAD v4.1: 36 of 1,613,982 alleles (0.0022%); highest among the groups gnomAD compares: East Asian, 0.025%; no homozygotes.

Submissions (2):

Labcorp Genetics (formerly Invitae), Labcorp
Classification: Likely benign for KBG syndrome. Last evaluated: 2024-10-17. Review status: criteria provided, single submitter. Criteria: Invitae Variant Classification Sherloc (09022015). Collection method: clinical testing. Allele origin: germline.

CeGaT Center for Human Genetics Tuebingen
Classification: Likely benign. Last evaluated: 2023-11-01. Review status: criteria provided, single submitter. Criteria: CeGaT Center For Human Genetics Tuebingen Variant Classification Criteria Version 2. Collection method: clinical testing. Allele origin: germline. Affected: yes. Observed: 1 variant allele.
Comment: ANKRD11: BP4, BP7

NM_013275.6(ANKRD11):c.1845G>A (p.Ala615=)

Gene: ANKRD11 (ankyrin repeat domain 11; minus strand). Cytogenetic location: 16q24.3.
Variant type: single nucleotide variant.
Coding change: c.1845G>A on transcript NM_013275.6 (MANE Select); coding-DNA position 1845, G replaced by A.
Protein change: p.Ala615=; no amino-acid change (alanine 615 retained).
Molecular consequence: synonymous variant.
Genome position (GRCh38, 1-based): chr16:89,284,697, C>T on the plus strand (G>A on the coding strand, the complement: ANKRD11 is on the minus strand). VCF-style: chr16-89284697-C-T. GRCh37 (hg19) VCF-style: chr16-89351105-C-T.
Other names: c.1845G>A, p.Ala615= (NM_001256182.2, NM_001256183.2).
Identifiers: ClinVar variation 2144825 (VCV002144825.27), dbSNP rs774397190, ClinGen allele CA8242674.